The following is an entry in ClinVar:

NM_001374828.1(ARID1B):c.4589A>G (p.Tyr1530Cys)

Gene: ARID1B (AT-rich interaction domain 1B; plus strand). Cytogenetic location: 6q25.3.
Variant type: single nucleotide variant.
Coding change: c.4589A>G on transcript NM_001374828.1 (MANE Select); coding-DNA position 4589, A replaced by G.
Protein change: p.Tyr1530Cys; replaces tyrosine 1530 with cysteine.
Molecular consequence: missense variant.
Genome position (GRCh38, 1-based): chr6:157,200,814, A>G. VCF-style: chr6-157200814-A-G. GRCh37 (hg19) VCF-style: chr6-157521948-A-G.
Other names: c.4340A>G, p.Tyr1447Cys (NM_001346813.1); c.2090A>G, p.Tyr697Cys (NM_001363725.2); c.4469A>G, p.Tyr1490Cys (NM_001371656.1, NM_001374820.1); c.4430A>G, p.Tyr1477Cys (NM_017519.3); c.4220A>G, p.Tyr1407Cys (NM_020732.3); c.4007A>G, p.Tyr1336Cys (NM_175863.2); short protein forms Y1336C, Y1407C, Y1490C, Y1477C, Y1530C, Y1447C, Y697C.
Identifiers: ClinVar variation 1971971 (VCV001971971.5), dbSNP rs1008206119, ClinGen allele CA150369742.

ClinVar aggregate classification (germline): Uncertain significance (1 of 4 stars; one submission).

Allele frequency attached by ClinVar (database versions not stated): TOPMed below 0.00001.
gnomAD v4.1: 1 of 1,614,132 alleles (0.000062%); highest among the groups gnomAD compares: Admixed American, 0.0017%; no homozygotes.

Submission:

Labcorp Genetics (formerly Invitae), Labcorp
Classification: Uncertain significance. Last evaluated: 2023-12-27. Review status: criteria provided, single submitter. Criteria: Invitae Variant Classification Sherloc (09022015). Collection method: clinical testing. Allele origin: germline.
Comment: This sequence change replaces tyrosine, which is neutral and polar, with cysteine, which is neutral and slightly polar, at codon 1407 of the ARID1B protein (p.Tyr1407Cys). This variant is present in population databases (no rsID available, gnomAD 0.006%). This variant has not been reported in the literature in individuals affected with ARID1B-related conditions. ClinVar contains an entry for this variant (Variation ID: 1971971). Advanced modeling of protein sequence and biophysical properties (such as structural, functional, and spatial information, amino acid conservation, physicochemical variation, residue mobility, and thermodynamic stability) has been performed at Invitae for this missense variant, however the output from this modeling did not meet the statistical confidence thresholds required to predict the impact of this variant on ARID1B protein function. In summary, the available evidence is currently insufficient to determine the role of this variant in disease. Therefore, it has been classified as a Variant of Uncertain Significance.